The following is an entry in ClinVar:

NM_001369.3(DNAH5):c.2119T>C (p.Phe707Leu)

Genes: DNAH5 (dynein axonemal heavy chain 5; minus strand), DNAH5-AS1 (DNAH5 antisense RNA 1; plus strand). Cytogenetic location: 5p15.2.
Variant type: single nucleotide variant.
Coding change: c.2119T>C on transcript NM_001369.3 (MANE Select); coding-DNA position 2119, T replaced by C.
Protein change: p.Phe707Leu; replaces phenylalanine 707 with leucine.
Molecular consequence: missense variant.
Genome position (GRCh38, 1-based): chr5:13,900,346, A>G on the plus strand (T>C on the coding strand, the complement: DNAH5 is on the minus strand). VCF-style: chr5-13900346-A-G. GRCh37 (hg19) VCF-style: chr5-13900455-A-G.
Other names: short protein forms F707L.
Identifiers: ClinVar variation 937732 (VCV000937732.10), dbSNP rs956123437, ClinGen allele CA359203717.

ClinVar aggregate classification (germline): Uncertain significance (1 of 4 stars; one submission).

Conditions:
Primary ciliary dyskinesia. Also called: Ciliary dyskinesia. Identifiers: Orphanet 244, MedGen C0008780, MONDO:0016575, HP:0012265.

Submission:

Labcorp Genetics (formerly Invitae), Labcorp
Classification: Uncertain significance for Primary ciliary dyskinesia. Last evaluated: 2019-10-13. Review status: criteria provided, single submitter. Criteria: Invitae Variant Classification Sherloc (09022015). Collection method: clinical testing. Allele origin: germline.
Comment: In summary, the available evidence is currently insufficient to determine the role of this variant in disease. Therefore, it has been classified as a Variant of Uncertain Significance. Algorithms developed to predict the effect of missense changes on protein structure and function are either unavailable or do not agree on the potential impact of this missense change (SIFT: "Deleterious"; PolyPhen-2: "Benign"; Align-GVGD: "Class C0"). This variant has not been reported in the literature in individuals with DNAH5-related conditions. This variant is not present in population databases (ExAC no frequency). This sequence change replaces phenylalanine with leucine at codon 707 of the DNAH5 protein (p.Phe707Leu). The phenylalanine residue is highly conserved and there is a small physicochemical difference between phenylalanine and leucine.